The following is an entry in ClinVar:

ClinVar aggregate classification (germline): Uncertain significance (1 of 4 stars; one submission).

Allele frequency attached by ClinVar (database versions not stated): ExAC 0.00002; gnomAD exomes 0.00002 and 0.00004; gnomAD 0.00008 and 0.00009; TOPMed 0.00024.
gnomAD v4.1: 43 of 1,614,026 alleles (0.0027%); highest among the groups gnomAD compares: Admixed American, 0.032%; 1 homozygote.

Submission:

Labcorp Genetics (formerly Invitae), Labcorp
Classification: Uncertain significance. Last evaluated: 2024-04-01. Review status: criteria provided, single submitter. Criteria: Invitae Variant Classification Sherloc (09022015). Collection method: clinical testing. Allele origin: germline.
Comment: This sequence change replaces asparagine, which is neutral and polar, with serine, which is neutral and polar, at codon 40 of the PIGC protein (p.Asn40Ser). This variant is present in population databases (rs779814454, gnomAD 0.009%). This variant has not been reported in the literature in individuals affected with PIGC-related conditions. ClinVar contains an entry for this variant (Variation ID: 1438724). Advanced modeling of protein sequence and biophysical properties (such as structural, functional, and spatial information, amino acid conservation, physicochemical variation, residue mobility, and thermodynamic stability) performed at Invitae indicates that this missense variant is expected to disrupt PIGC protein function with a positive predictive value of 80%. In summary, the available evidence is currently insufficient to determine the role of this variant in disease. Therefore, it has been classified as a Variant of Uncertain Significance.

NM_153747.2(PIGC):c.119A>G (p.Asn40Ser)

Genes: C1orf105 (chromosome 1 open reading frame 105; plus strand), PIGC (phosphatidylinositol glycan anchor biosynthesis class C; minus strand). Cytogenetic location: 1q24.3.
Variant type: single nucleotide variant.
Coding change: c.119A>G on transcript NM_153747.2 (MANE Select); coding-DNA position 119, A replaced by G.
Protein change: p.Asn40Ser; replaces asparagine 40 with serine.
Molecular consequence: missense variant. On other transcripts: intron variant (1).
Genome position (GRCh38, 1-based): chr1:172,442,504, T>C on the plus strand (A>G on the coding strand, the complement: PIGC is on the minus strand). VCF-style: chr1-172442504-T-C. GRCh37 (hg19) VCF-style: chr1-172411644-T-C.
Other names: c.119A>G, p.Asn40Ser (NM_002642.4); c.22-2569T>C (NM_139240.4); short protein forms N40S.
Identifiers: ClinVar variation 1438724 (VCV001438724.6), dbSNP rs779814454, ClinGen allele CA1246019.